The following is an entry in ClinVar:

ClinVar aggregate classification (germline): Uncertain significance (1 of 4 stars; one submission).

Conditions:
Autosomal recessive ataxia, Beauce type. Also called: SYNE1-Related Autosomal Recessive Cerebellar Ataxia; Spinocerebellar ataxia, autosomal recessive 8; ATAXIA, RECESSIVE, OF BEAUCE; SYNE1 Deficiency. Identifiers: Orphanet 88644, MedGen C1853116, MONDO:0012549, OMIM 610743.
Emery-Dreifuss muscular dystrophy 4, autosomal dominant (EDMD4). Also called: EMERY-DREIFUSS MUSCULAR DYSTROPHY 4 WITH VARIABLE FEATURES. Identifiers: Orphanet 261, MedGen C2751807, MONDO:0013071, OMIM 612998.

gnomAD v4.1: 5 of 1,614,262 alleles (0.00031%); highest among the groups gnomAD compares: Non-Finnish European, 0.00042%; no homozygotes.

Submission:

Labcorp Genetics (formerly Invitae), Labcorp
Classification: Uncertain significance for Emery-Dreifuss muscular dystrophy 4, autosomal dominant; Autosomal recessive ataxia, Beauce type. Last evaluated: 2025-03-18. Review status: criteria provided, single submitter. Criteria: Invitae Variant Classification Sherloc (09022015). Collection method: clinical testing. Allele origin: germline.
Comment: This sequence change replaces alanine, which is neutral and non-polar, with threonine, which is neutral and polar, at codon 5714 of the SYNE1 protein (p.Ala5714Thr). This variant is not present in population databases (gnomAD no frequency). This variant has not been reported in the literature in individuals affected with SYNE1-related conditions. An algorithm developed to predict the effect of missense changes on protein structure and function (PolyPhen-2) suggests that this variant is likely to be disruptive. In summary, the available evidence is currently insufficient to determine the role of this variant in disease. Therefore, it has been classified as a Variant of Uncertain Significance.

NM_182961.4(SYNE1):c.17353G>A (p.Ala5785Thr)

Genes: SYNE1 (spectrin repeat containing nuclear envelope protein 1; minus strand), LOC129997480 (ATAC-STARR-seq lymphoblastoid active region 25287; plus strand). Cytogenetic location: 6q25.2.
Variant type: single nucleotide variant.
Coding change: c.17353G>A on transcript NM_182961.4 (MANE Select); coding-DNA position 17353, G replaced by A.
Protein change: p.Ala5785Thr; replaces alanine 5785 with threonine.
Molecular consequence: missense variant.
Genome position (GRCh38, 1-based): chr6:152,302,057, C>T on the plus strand (G>A on the coding strand, the complement: SYNE1 is on the minus strand). VCF-style: chr6-152302057-C-T. GRCh37 (hg19) VCF-style: chr6-152623192-C-T.
Other names: c.17140G>A, p.Ala5714Thr (NM_033071.5); short protein forms A5785T, A5714T.
Identifiers: ClinVar variation 4790516 (VCV004790516.1).